The following is an entry in ClinVar:

ClinVar aggregate classification (germline): Uncertain significance. Review status: criteria provided, multiple submitters, no conflicts (2 of 4 stars). 6 submissions from 6 submitters: Uncertain significance (5). 1 of the submissions does not count toward it. Last evaluated 2025-12-24.

Conditions:
BAP1-related disorder. Also called: BAP1-related condition.
Hereditary cancer-predisposing syndrome. Also called: Neoplastic Syndromes, Hereditary; Hereditary Cancer Syndrome; Tumor predisposition; Hereditary neoplastic syndrome. Identifiers: Orphanet 140162, MedGen C0027672, MeSH D009386, MONDO:0015356.
BAP1-related tumor predisposition syndrome (TPDS1). Also called: COMMON Syndrome; TUMOR PREDISPOSITION SYNDROME 1; BAP1 tumor predisposition syndrome; Tumor susceptibility linked to germline BAP1 mutations. Identifiers: Orphanet 289539, MedGen C3280492, MONDO:0013692, OMIM 614327.

Allele frequency attached by ClinVar (database versions not stated): gnomAD exomes below 0.00001; TOPMed below 0.00001.
gnomAD v4.1: 5 of 1,614,142 alleles (0.00031%); highest among the groups gnomAD compares: South Asian, 0.0022%; no homozygotes.

Submissions (6):

Labcorp Genetics (formerly Invitae), Labcorp
Classification: Uncertain significance for BAP1-related tumor predisposition syndrome. Last evaluated: 2025-12-24. Review status: criteria provided, single submitter. Criteria: Invitae Variant Classification Sherloc (09022015). Collection method: clinical testing. Allele origin: germline.
Comment: This sequence change replaces aspartic acid, which is acidic and polar, with asparagine, which is neutral and polar, at codon 236 of the BAP1 protein (p.Asp236Asn). This variant is not present in population databases (gnomAD no frequency). This variant has not been reported in the literature in individuals affected with BAP1-related conditions. ClinVar contains an entry for this variant (Variation ID: 582815). Invitae Evidence Modeling of protein sequence and biophysical properties (such as structural, functional, and spatial information, amino acid conservation, physicochemical variation, residue mobility, and thermodynamic stability) indicates that this missense variant is not expected to disrupt BAP1 protein function with a negative predictive value of 80%. In summary, the available evidence is currently insufficient to determine the role of this variant in disease. Therefore, it has been classified as a Variant of Uncertain Significance.

Center for Genomic Medicine, Rigshospitalet, Copenhagen University Hospital
Classification: Uncertain significance. Last evaluated: 2025-03-04. Review status: criteria provided, single submitter. Criteria: ACMG Guidelines, 2015. Collection method: clinical testing. Allele origin: germline.

Ambry Genetics
Classification: Uncertain significance for Hereditary cancer-predisposing syndrome. Last evaluated: 2024-08-21. Review status: criteria provided, single submitter. Criteria: Ambry Variant Classification Scheme 2023. Collection method: clinical testing. Allele origin: germline.
Comment: The p.D236N variant (also known as c.706G>A), located in coding exon 9 of the BAP1 gene, results from a G to A substitution at nucleotide position 706. The aspartic acid at codon 236 is replaced by asparagine, an amino acid with highly similar properties. This amino acid position is highly conserved in available vertebrate species. In addition, this alteration is predicted to be tolerated by in silico analysis. Based on the available evidence, the clinical significance of this variant remains unclear.

Baylor Genetics
Classification: Uncertain significance for BAP1-related tumor predisposition syndrome. Last evaluated: 2024-02-27. Review status: criteria provided, single submitter. Criteria: ACMG Guidelines, 2015. Collection method: clinical testing. Allele origin: unknown.

Color Diagnostics, LLC DBA Color Health
Classification: Uncertain significance for Hereditary cancer-predisposing syndrome. Last evaluated: 2022-10-17. Review status: criteria provided, single submitter. Criteria: ACMG Guidelines, 2015. Collection method: clinical testing. Allele origin: germline.
Comment: This missense variant replaces aspartic acid with asparagine at codon 236 of the BAP1 protein. Computational prediction suggests that this variant may not impact protein structure and function (internally defined REVEL score threshold <= 0.5, PMID: 27666373). To our knowledge, functional studies have not been reported for this variant. This variant has been reported in an individual affected with uveal melanoma (PMID: 28444874). This variant has not been identified in the general population by the Genome Aggregation Database (gnomAD). The available evidence is insufficient to determine the role of this variant in disease conclusively. Therefore, this variant is classified as a Variant of Uncertain Significance.

PreventionGenetics, part of Exact Sciences
Classification: Uncertain significance for BAP1-related condition. Last evaluated: 2024-05-03. Review status: no assertion criteria provided. Collection method: clinical testing. Allele origin: germline. Not counted in ClinVar's aggregate classification.
Comment: The BAP1 c.706G>A variant is predicted to result in the amino acid substitution p.Asp236Asn. To our knowledge, this variant has not been reported in the literature or in a large population database, indicating this variant is rare. This variant is reported as uncertain in ClinVar. At this time, the clinical significance of this variant is uncertain due to the absence of conclusive functional and genetic evidence.

Literature cited by the submitters: PubMed 28444874 (cited by Center for Genomic Medicine, Rigshospitalet, Copenhagen University Hospital and Color Diagnostics, LLC DBA Color Health).

NM_004656.4(BAP1):c.706G>A (p.Asp236Asn)

Gene: BAP1 (BRCA1 associated deubiquitinase 1; minus strand). Cytogenetic location: 3p21.1.
Variant type: single nucleotide variant.
Coding change: c.706G>A on transcript NM_004656.4 (MANE Select); coding-DNA position 706, G replaced by A.
Protein change: p.Asp236Asn; replaces aspartic acid 236 with asparagine.
Molecular consequence: missense variant.
Genome position (GRCh38, 1-based): chr3:52,406,330, C>T on the plus strand (G>A on the coding strand, the complement: BAP1 is on the minus strand). VCF-style: chr3-52406330-C-T. GRCh37 (hg19) VCF-style: chr3-52440346-C-T.
Other names: c.706G>A (NM_004656.2); short protein forms D236N.
Identifiers: ClinVar variation 582815 (VCV000582815.21), dbSNP rs1559589762, ClinGen allele CA353107358.